The following is an entry in ClinVar:

ClinVar aggregate classification (germline): Uncertain significance (1 of 4 stars; one submission).

Conditions:
Hereditary spastic paraplegia 47. Also called: Spastic paraplegia 47, autosomal recessive; CEREBRAL PALSY, SPASTIC QUADRIPLEGIC, 5; adaptor protein 4 (AP-4) deficiency syndrome. Identifiers: Orphanet 280763, MedGen C3279738, MONDO:0013551, OMIM 614066.

Allele frequency attached by ClinVar (database versions not stated): ExAC 0.00001; gnomAD exomes 0.00001.
gnomAD v4.1: 5 of 1,613,276 alleles (0.00031%); highest among the groups gnomAD compares: Admixed American, 0.0083%; no homozygotes.

Submission:

Labcorp Genetics (formerly Invitae), Labcorp
Classification: Uncertain significance for Hereditary spastic paraplegia 47. Last evaluated: 2022-01-26. Review status: criteria provided, single submitter. Criteria: Invitae Variant Classification Sherloc (09022015). Collection method: clinical testing. Allele origin: germline.
Comment: In summary, the available evidence is currently insufficient to determine the role of this variant in disease. Therefore, it has been classified as a Variant of Uncertain Significance. Algorithms developed to predict the effect of missense changes on protein structure and function (SIFT, PolyPhen-2, Align-GVGD) all suggest that this variant is likely to be tolerated. This variant has not been reported in the literature in individuals affected with AP4B1-related conditions. This variant is present in population databases (rs777755720, gnomAD 0.009%). This sequence change replaces cysteine, which is neutral and slightly polar, with glycine, which is neutral and non-polar, at codon 18 of the AP4B1 protein (p.Cys18Gly).

NM_001253852.3(AP4B1):c.52T>G (p.Cys18Gly)

Genes: AP4B1 (adaptor related protein complex 4 subunit beta 1; minus strand), DCLRE1B (DNA cross-link repair 1B; plus strand), LOC129931235 (ATAC-STARR-seq lymphoblastoid active region 1540; plus strand). Cytogenetic location: 1p13.2.
Variant type: single nucleotide variant.
Coding change: c.52T>G on transcript NM_001253852.3 (MANE Select); coding-DNA position 52, T replaced by G.
Protein change: p.Cys18Gly; replaces cysteine 18 with glycine.
Molecular consequence: missense variant. On other transcripts: 5 prime UTR variant (2).
Genome position (GRCh38, 1-based): chr1:113,904,666, A>C on the plus strand (T>G on the coding strand, the complement: AP4B1 is on the minus strand). VCF-style: chr1-113904666-A-C. GRCh37 (hg19) VCF-style: chr1-114447288-A-C.
Other names: c.-118T>G (NM_001253853.3); c.52T>G, p.Cys18Gly (NM_001308312.2, NM_001437822.1, NM_001438373.1 and 7 more transcripts); c.-373A>C (NM_001319947.2); short protein forms C18G.
Identifiers: ClinVar variation 1357859 (VCV001357859.5), dbSNP rs777755720, ClinGen allele CA1016213.